The following is an entry in ClinVar:

NM_002972.4(SBF1):c.5152-13C>T

Gene: SBF1 (SET binding factor 1; minus strand). Cytogenetic location: 22q13.33.
Variant type: single nucleotide variant.
Coding change: c.5152-13C>T on transcript NM_002972.4 (MANE Select); 13 bases into the intron before coding-DNA position 5152, C replaced by T.
Molecular consequence: intron variant.
Genome position (GRCh38, 1-based): chr22:50,448,457, G>A on the plus strand (C>T on the coding strand, the complement: SBF1 is on the minus strand). VCF-style: chr22-50448457-G-A. GRCh37 (hg19) VCF-style: chr22-50886886-G-A.
Other names: c.5077-13C>T (NM_001365819.1).
Identifiers: ClinVar variation 1308157 (VCV001308157.4), dbSNP rs1285966014, ClinGen allele CA2410860122.
Genomic context (GRCh38, chr22:50,448,457, plus strand): 5'-GCGACGGTGGTGGGGTGCGGTGGACACAAGGAGGGAGCTAGGGGTGCCCTGGGAACAGGA[G>A]GTTGGGACTTGGGTCAGGGCTGGACAGACTCCACTTTCTCCCAGCAACACGCCCACCGTG-3'

ClinVar aggregate classification (germline): Conflicting classifications of pathogenicity. Review status: criteria provided, conflicting classifications (1 of 4 stars). 2 submissions from 2 submitters: Uncertain significance (1); Likely benign (1). Last evaluated 2024-12-30.

Submissions (2):

Labcorp Genetics (formerly Invitae), Labcorp
Classification: Likely benign. Last evaluated: 2024-12-30. Review status: criteria provided, single submitter. Criteria: Invitae Variant Classification Sherloc (09022015). Collection method: clinical testing. Allele origin: germline.

GeneDx
Classification: Uncertain significance. Last evaluated: 2019-03-18. Review status: criteria provided, single submitter. Criteria: GeneDx Variant Classification Process June 2021. Collection method: clinical testing. Allele origin: germline. Affected: yes.
Comment: Not observed in large population cohorts (Lek et al., 2016); In silico analysis, which includes splice predictors and evolutionary conservation, supports that this variant does not alter protein structure/function; Has not been previously published as pathogenic or benign to our knowledge